The following is an entry in ClinVar:

NM_198150.3(ARSK):c.1251C>G (p.Tyr417Ter)

Gene: ARSK (arylsulfatase family member K; plus strand). Cytogenetic location: 5q15.
Variant type: single nucleotide variant.
Coding change: c.1251C>G on transcript NM_198150.3 (MANE Select); coding-DNA position 1251, C replaced by G.
Protein change: p.Tyr417Ter; replaces tyrosine 417 with a stop codon.
Molecular consequence: nonsense.
Genome position (GRCh38, 1-based): chr5:95,601,001, C>G. VCF-style: chr5-95601001-C-G. GRCh37 (hg19) VCF-style: chr5-94936705-C-G.
Other names: short protein forms Y417*.
Identifiers: ClinVar variation 1342941 (VCV001342941.2), dbSNP rs749379584, ClinGen allele CA122837265.

ClinVar aggregate classification (germline): Pathogenic. Review status: no assertion criteria provided (0 of 4 stars). 2 submissions from 2 submitters: Pathogenic (2). Last evaluated 2025-03-03.

Conditions:
Mucopolysaccharidosis, type 10. Also called: ARYLSULFATASE K DEFICIENCY; ARSK DEFICIENCY. Identifiers: Orphanet 662216, MedGen C5562064, MONDO:0030524, OMIM 619698.

Allele frequency attached by ClinVar (database versions not stated): TOPMed below 0.00001.
gnomAD v4.1: 1 of 1,614,106 alleles (0.000062%); highest among the groups gnomAD compares: Non-Finnish European, 0.000085%; no homozygotes.

Submissions (2):

OMIM
Classification: Pathogenic for MUCOPOLYSACCHARIDOSIS, TYPE X. Last evaluated: 2025-03-03. Review status: no assertion criteria provided. Collection method: literature only. Allele origin: germline.

Dept. of Medical Genetics, Telemark Hospital Trust, Telemark Hospital Trust
Classification: Pathogenic for Mucopolysaccharidosis, type 10. Last evaluated: 2022-03-07. Review status: no assertion criteria provided. Collection method: clinical testing. Allele origin: biparental. Inheritance: Autosomal recessive inheritance. Affected: yes. Observed: 2 variant alleles.
Comment: The Tyr417* variant introduces a premature termination codon and targets ARSK-mRNA for nonsense-mediated decay. LoF-variants in ARSK are known to be pathogenic (PMID:34916232). The variant is absent from large population studies (gnomAD). PVS1, PM2

Literature cited by the submitters: PubMed 35959767 (cited by OMIM); PubMed 34916232 (cited by Dept. of Medical Genetics, Telemark Hospital Trust, Telemark Hospital Trust).